The following is an entry in ClinVar:

NM_006514.4(SCN10A):c.5587C>A (p.Arg1863=)

Gene: SCN10A (sodium voltage-gated channel alpha subunit 10; minus strand). Cytogenetic location: 3p22.2.
Variant type: single nucleotide variant.
Coding change: c.5587C>A on transcript NM_006514.4 (MANE Select); coding-DNA position 5587, C replaced by A.
Protein change: p.Arg1863=; no amino-acid change (arginine 1863 retained).
Molecular consequence: synonymous variant.
Genome position (GRCh38, 1-based): chr3:38,697,633, G>T on the plus strand (C>A on the coding strand, the complement: SCN10A is on the minus strand). VCF-style: chr3-38697633-G-T. GRCh37 (hg19) VCF-style: chr3-38739124-G-T.
Other names: c.5584C>A, p.Arg1862= (NM_001293306.2); c.5293C>A, p.Arg1765= (NM_001293307.2).
Identifiers: ClinVar variation 2653677 (VCV002653677.24), dbSNP rs370779258, ClinGen allele CA2319648.

ClinVar aggregate classification (germline): Likely benign (1 of 4 stars; one submission).

Allele frequency attached by ClinVar (database versions not stated): ExAC 0.00001.
gnomAD v4.1: 3 of 1,614,170 alleles (0.00019%); highest among the groups gnomAD compares: Middle Eastern, 0.033%; no homozygotes.

Submission:

CeGaT Center for Human Genetics Tuebingen
Classification: Likely benign. Last evaluated: 2023-02-01. Review status: criteria provided, single submitter. Criteria: CeGaT Center For Human Genetics Tuebingen Variant Classification Criteria Version 2. Collection method: clinical testing. Allele origin: germline. Affected: yes. Observed: 1 variant allele.
Comment: SCN10A: BP4, BP7